The following is an entry in ClinVar:

NM_000237.3(LPL):c.621C>G (p.Asp207Glu)

Gene: LPL (lipoprotein lipase; plus strand). Cytogenetic location: 8p21.3.
Variant type: single nucleotide variant.
Coding change: c.621C>G on transcript NM_000237.3 (MANE Select); coding-DNA position 621, C replaced by G.
Protein change: p.Asp207Glu; replaces aspartic acid 207 with glutamic acid.
Molecular consequence: missense variant.
Genome position (GRCh38, 1-based): chr8:19,954,199, C>G. VCF-style: chr8-19954199-C-G. GRCh37 (hg19) VCF-style: chr8-19811710-C-G.
Other names: D180E; short protein forms D207E.
Identifiers: ClinVar variation 1547 (VCV000001547.6), dbSNP rs118204076, ClinGen allele CA251885.

ClinVar aggregate classification (germline): Likely pathogenic. Review status: criteria provided, single submitter (1 of 4 stars). 2 submissions from 2 submitters: Likely pathogenic (1). 1 of the submissions does not count toward it. Last evaluated 2021-10-18.

Conditions:
Hyperlipoproteinemia, type I. Also called: Lipoprotein Lipase Deficiency; Lipase D deficiency; Familial Lipoprotein Lipase Deficiency; Hyperlipoproteinemia type 1; Hyperchylomicro-nemia familial; Familial chylomicronemia. Identifiers: Orphanet 309015, Orphanet 444490, MedGen C0023817, MONDO:0009387, OMIM 238600. Disease mechanism: loss of function.

Submissions (2):

Labcorp Genetics (formerly Invitae), Labcorp
Classification: Likely pathogenic. Last evaluated: 2021-10-18. Review status: criteria provided, single submitter. Criteria: Invitae Variant Classification Sherloc (09022015). Collection method: clinical testing. Allele origin: germline.
Comment: This variant is not present in population databases (ExAC no frequency). In summary, the currently available evidence indicates that the variant is pathogenic, but additional data are needed to prove that conclusively. Therefore, this variant has been classified as Likely Pathogenic. Experimental studies have shown that this missense change affects LPL function (PMID: 8288243). Algorithms developed to predict the effect of missense changes on protein structure and function (SIFT, PolyPhen-2, Align-GVGD) all suggest that this variant is likely to be disruptive. ClinVar contains an entry for this variant (Variation ID: 1547). This variant is also known as C>G change at position 809 (Asp180>Glu). This missense change has been observed in individual(s) with chylomicronemia (PMID: 8288243). It has also been observed to segregate with disease in related individuals. This sequence change replaces aspartic acid with glutamic acid at codon 207 of the LPL protein (p.Asp207Glu). The aspartic acid residue is highly conserved and there is a small physicochemical difference between aspartic acid and glutamic acid.

OMIM
Classification: Pathogenic for LIPOPROTEIN LIPASE DEFICIENCY. Last evaluated: 1993-11-01. Review status: no assertion criteria provided. Collection method: literature only. Allele origin: germline. Not counted in ClinVar's aggregate classification.

Literature cited by the submitters: PubMed 8288243 (cited by Labcorp Genetics (formerly Invitae), Labcorp and OMIM).